The following is an entry in ClinVar:

ClinVar aggregate classification (germline): Uncertain significance. Review status: criteria provided, multiple submitters, no conflicts (2 of 4 stars). 2 submissions from 2 submitters: Uncertain significance (2). Last evaluated 2026-09-11.

Conditions:
Hereditary cancer-predisposing syndrome. Also called: Neoplastic Syndromes, Hereditary; Hereditary Cancer Syndrome; Hereditary neoplastic syndrome; Tumor predisposition. Identifiers: Orphanet 140162, MedGen C0027672, MeSH D009386, MONDO:0015356.

Submissions (2):

Ambry Genetics
Classification: Uncertain significance for Hereditary cancer-predisposing syndrome. Last evaluated: 2026-09-11. Review status: criteria provided, single submitter. Criteria: Ambry Variant Classification Scheme 2023. Collection method: clinical testing. Allele origin: germline.
Comment: The p.A2779V variant (also known as c.8336C>T), located in coding exon 15 of the APC gene, results from a C to T substitution at nucleotide position 8336. The alanine at codon 2779 is replaced by valine, an amino acid with similar properties. This amino acid position is highly conserved in available vertebrate species. In addition, in silico predictors for this gene do not accurately predict pathogenicity. Missense variants in APC are not a common cause of disease (Spier I et al. Genet Med. 2024 Feb;26(2):100992). Based on the available evidence, the clinical significance of this variant remains unclear.

Color Diagnostics, LLC DBA Color Health
Classification: Uncertain significance for Hereditary cancer-predisposing syndrome. Last evaluated: 2019-01-01. Review status: criteria provided, single submitter. Criteria: ACMG Guidelines, 2015. Collection method: clinical testing. Allele origin: germline.

NM_000038.6(APC):c.8336C>T (p.Ala2779Val)

Gene: APC (APC regulator of Wnt signaling pathway; plus strand). Cytogenetic location: 5q22.2.
Variant type: single nucleotide variant.
Coding change: c.8336C>T on transcript NM_000038.6 (MANE Select); coding-DNA position 8336, C replaced by T.
Protein change: p.Ala2779Val; replaces alanine 2779 with valine.
Molecular consequence: missense variant.
Genome position (GRCh38, 1-based): chr5:112,843,930, C>T. VCF-style: chr5-112843930-C-T. GRCh37 (hg19) VCF-style: chr5-112179627-C-T.
Other names: c.8063C>T, p.Ala2688Val (NM_001354902.2); c.8033C>T, p.Ala2678Val (NM_001354903.2); c.7958C>T, p.Ala2653Val (NM_001354904.2); c.7856C>T, p.Ala2619Val (NM_001354905.2); c.7487C>T, p.Ala2496Val (NM_001354906.2); c.8336C>T, p.Ala2779Val (NM_001127510.3, NM_001354895.2); c.8282C>T, p.Ala2761Val (NM_001127511.3); c.8390C>T, p.Ala2797Val (NM_001354896.2); and 5 more; short protein forms A2761V, A2779V, A2678V, A2738V, A2751V, A2789V, A2797V, A2688V.
Identifiers: ClinVar variation 627842 (VCV000627842.4), dbSNP rs1561622448, ClinGen allele CA16039420.